The following is an entry in ClinVar:

ClinVar aggregate classification (germline): Uncertain significance (1 of 4 stars; one submission).

Submission:

GeneDx
Classification: Uncertain significance. Last evaluated: 2025-03-20. Review status: criteria provided, single submitter. Criteria: GeneDx Variant Classification Process June 2021. Collection method: clinical testing. Allele origin: germline. Affected: yes.
Comment: Not observed at significant frequency in large population cohorts (gnomAD); In silico analysis supports that this missense variant has a deleterious effect on protein structure/function; Has not been previously published as pathogenic or benign to our knowledge

NM_001372044.2(SHANK3):c.4105G>C (p.Asp1369His)

Gene: SHANK3 (SH3 and multiple ankyrin repeat domains 3; plus strand). Cytogenetic location: 22q13.33.
Variant type: single nucleotide variant.
Coding change: c.4105G>C on transcript NM_001372044.2 (MANE Select); coding-DNA position 4105, G replaced by C.
Protein change: p.Asp1369His; replaces aspartic acid 1369 with histidine.
Molecular consequence: missense variant.
Genome position (GRCh38, 1-based): chr22:50,721,713, G>C. VCF-style: chr22-50721713-G-C. GRCh37 (hg19) VCF-style: chr22-51160141-G-C.
Other names: c.3880G>C, p.Asp1294His (NM_033517.1); short protein forms D1294H, D1369H.
Identifiers: ClinVar variation 2579627 (VCV002579627.2), dbSNP rs1167545316, ClinGen allele CA515263278.
Genomic context (GRCh38, chr22:50,721,713, plus strand): 5'-GAGGAAGAGCCAGAGCTGGTGTTTGCTGTGAACCTGCCACCTGCCCAGCTGTCGTCCAGC[G>C]ATGAGGAGACCAGGGAGGAGCTGGCCCGAATTGGGTTGGTGCCACCCCCTGAAGAGTTTG-3'
Protein context (NP_001358973.1, residues 1359-1379): NLPPAQLSSS[Asp1369His]EETREELARI